The following is an entry in ClinVar:

NM_001379451.1(BCORL1):c.4378T>C (p.Cys1460Arg)

Gene: BCORL1 (BCL6 corepressor like 1; plus strand). Cytogenetic location: Xq26.1.
Variant type: single nucleotide variant.
Coding change: c.4378T>C on transcript NM_001379451.1 (MANE Select); coding-DNA position 4378, T replaced by C.
Protein change: p.Cys1460Arg; replaces cysteine 1460 with arginine.
Molecular consequence: missense variant. On other transcripts: intron variant (1).
Genome position (GRCh38, 1-based): chrX:130,034,527, T>C. VCF-style: chrX-130034527-T-C. GRCh37 (hg19) VCF-style: chrX-129168502-T-C.
Other names: c.4378T>C, p.Cys1460Arg (NM_001184772.3, NM_001379450.1); c.4306-2840T>C (NM_021946.5); short protein forms C1460R.
Identifiers: ClinVar variation 3363763 (VCV003363763.1).

ClinVar aggregate classification (germline): Uncertain significance (1 of 4 stars; one submission).

gnomAD v4.1: 2 of 983,043 alleles (0.0002%); highest among the groups gnomAD compares: Non-Finnish European, 0.00026%; no homozygotes.

Submission:

GeneDx
Classification: Uncertain significance. Last evaluated: 2023-11-05. Review status: criteria provided, single submitter. Criteria: GeneDx Variant Classification Process June 2021. Collection method: clinical testing. Allele origin: germline. Affected: yes.
Comment: Not observed at significant frequency in large population cohorts (gnomAD); In silico analysis supports that this variant does not alter splicing; Has not been previously published as pathogenic or benign to our knowledge; Reported using an alternate transcript of the gene